The following is an entry in ClinVar:

ClinVar aggregate classification (germline): Uncertain significance (1 of 4 stars; one submission).

Conditions:
Inborn genetic diseases. Identifiers: MedGen C0950123, MeSH D030342.

Allele frequency attached by ClinVar (database versions not stated): gnomAD exomes below 0.00001.
gnomAD v4.1: 1 of 1,586,896 alleles (0.000063%); highest among the groups gnomAD compares: Admixed American, 0.0018%; no homozygotes.

Submission:

Ambry Genetics
Classification: Uncertain significance for Inborn genetic diseases. Last evaluated: 2020-10-13. Review status: criteria provided, single submitter. Criteria: Ambry Variant Classification Scheme 2023. Collection method: clinical testing. Allele origin: germline.
Comment: The p.V12A variant (also known as c.35T>C), located in coding exon 1 of the FIG4 gene, results from a T to C substitution at nucleotide position 35. The valine at codon 12 is replaced by alanine, an amino acid with similar properties. This amino acid position is highly conserved in available vertebrate species. In addition, the in silico prediction for this alteration is inconclusive. Since supporting evidence is limited at this time, the clinical significance of this alteration remains unclear.

NM_014845.6(FIG4):c.35T>C (p.Val12Ala)

Gene: FIG4 (FIG4 phosphoinositide 5-phosphatase; plus strand). Cytogenetic location: 6q21.
Variant type: single nucleotide variant.
Coding change: c.35T>C on transcript NM_014845.6 (MANE Select); coding-DNA position 35, T replaced by C.
Protein change: p.Val12Ala; replaces valine 12 with alanine.
Molecular consequence: missense variant.
Genome position (GRCh38, 1-based): chr6:109,691,470, T>C. VCF-style: chr6-109691470-T-C. GRCh37 (hg19) VCF-style: chr6-110012673-T-C.
Other names: short protein forms V12A.
Identifiers: ClinVar variation 1733082 (VCV001733082.2), dbSNP rs1583611553, ClinGen allele CA365206636.